The following is an entry in ClinVar:

NM_004304.5(ALK):c.605G>A (p.Gly202Glu)

Gene: ALK (ALK receptor tyrosine kinase; minus strand). Cytogenetic location: 2p23.1.
Variant type: single nucleotide variant.
Coding change: c.605G>A on transcript NM_004304.5 (MANE Select); coding-DNA position 605, G replaced by A.
Protein change: p.Gly202Glu; replaces glycine 202 with glutamic acid.
Molecular consequence: missense variant.
Genome position (GRCh38, 1-based): chr2:29,920,055, C>T on the plus strand (G>A on the coding strand, the complement: ALK is on the minus strand). VCF-style: chr2-29920055-C-T. GRCh37 (hg19) VCF-style: chr2-30142921-C-T.
Other names: short protein forms G202E.
Identifiers: ClinVar variation 404373 (VCV000404373.10), dbSNP rs1060500224, ClinGen allele CA16610751.

ClinVar aggregate classification (germline): Uncertain significance. Review status: criteria provided, multiple submitters, no conflicts (2 of 4 stars). 2 submissions from 2 submitters: Uncertain significance (2). Last evaluated 2025-12-23.

Conditions:
Hereditary cancer-predisposing syndrome. Also called: Tumor predisposition; Neoplastic Syndromes, Hereditary; Hereditary Cancer Syndrome; Hereditary neoplastic syndrome. Identifiers: Orphanet 140162, MedGen C0027672, MeSH D009386, MONDO:0015356.
Neuroblastoma, susceptibility to, 3. Also called: ALK-Related Neuroblastic Tumor Susceptibility. Identifiers: Orphanet 635, MedGen C2751681, MONDO:0013083, OMIM 613014.

Allele frequency attached by ClinVar (database versions not stated): gnomAD exomes below 0.00001 and 0.00001.

Submissions (2):

Labcorp Genetics (formerly Invitae), Labcorp
Classification: Uncertain significance for Neuroblastoma, susceptibility to, 3. Last evaluated: 2025-12-23. Review status: criteria provided, single submitter. Criteria: Invitae Variant Classification Sherloc (09022015). Collection method: clinical testing. Allele origin: germline.
Comment: This sequence change replaces glycine, which is neutral and non-polar, with glutamic acid, which is acidic and polar, at codon 202 of the ALK protein (p.Gly202Glu). This variant is present in population databases (no rsID available, gnomAD 0.003%). This variant has not been reported in the literature in individuals affected with ALK-related conditions. ClinVar contains an entry for this variant (Variation ID: 404373). An algorithm developed to predict the effect of missense changes on protein structure and function (PolyPhen-2) suggests that this variant is likely to be disruptive. In summary, the available evidence is currently insufficient to determine the role of this variant in disease. Therefore, it has been classified as a Variant of Uncertain Significance.

Ambry Genetics
Classification: Uncertain significance for Hereditary cancer-predisposing syndrome. Last evaluated: 2023-04-25. Review status: criteria provided, single submitter. Criteria: Ambry Variant Classification Scheme 2023. Collection method: clinical testing. Allele origin: germline.
Comment: The p.G202E variant (also known as c.605G>A), located in coding exon 1 of the ALK gene, results from a G to A substitution at nucleotide position 605. The glycine at codon 202 is replaced by glutamic acid, an amino acid with similar properties. This amino acid position is conserved. In addition, the in silico prediction for this alteration is inconclusive. Since supporting evidence is limited at this time, the clinical significance of this alteration remains unclear.